The following is an entry in ClinVar:

NM_178525.5(ACTL9):c.1199G>A (p.Arg400Gln)

Gene: ACTL9 (actin like 9; minus strand). Cytogenetic location: 19p13.2.
Variant type: single nucleotide variant.
Coding change: c.1199G>A on transcript NM_178525.5 (MANE Select); coding-DNA position 1199, G replaced by A.
Protein change: p.Arg400Gln; replaces arginine 400 with glutamine.
Molecular consequence: missense variant.
Genome position (GRCh38, 1-based): chr19:8,697,503, C>T on the plus strand (G>A on the coding strand, the complement: ACTL9 is on the minus strand). VCF-style: chr19-8697503-C-T. GRCh37 (hg19) VCF-style: chr19-8807853-C-T.
Other names: short protein forms R400Q.
Identifiers: ClinVar variation 3039914 (VCV003039914.2), dbSNP rs112957538, ClinGen allele CA9160998.
Genomic context (GRCh38, chr19:8,697,503, plus strand): 5'-TGCCCTGGTCAGTAGCATTTGCGGTACACGATATAGGGACCCTGTTCCTCGTACTGCTCC[C>T]GCAGGACCCAGCAGGACTGGAAGGCGCGCAGGGAGGCCAGGATGGAGCCCCCGATCCATA-3'
Protein context (NP_848620.3, residues 390-410): LRAFQSCWVL[Arg400Gln]EQYEEQGPYI

ClinVar aggregate classification (germline): Likely benign (0 of 4 stars; one submission).

Conditions:
ACTL9-related disorder. Also called: ACTL9-related condition.

Allele frequency attached by ClinVar (database versions not stated): 1000 Genomes Project 30x 0.00016; 1000 Genomes Project 0.00020; ExAC 0.00023; gnomAD exomes 0.00025; gnomAD 0.00029; TOPMed 0.00034; ESP Exome Variant Server 0.00038.

Submission:

PreventionGenetics, part of Exact Sciences
Classification: Likely benign for ACTL9-related condition. Last evaluated: 2022-05-12. Review status: no assertion criteria provided. Collection method: clinical testing. Allele origin: germline.
Comment: This variant is classified as likely benign based on ACMG/AMP sequence variant interpretation guidelines (Richards et al. 2015 PMID: 25741868, with internal and published modifications).